The following is an entry in ClinVar:

NM_005431.2(XRCC2):c.40C>G (p.Leu14Val)

Gene: XRCC2 (X-ray repair cross complementing 2; minus strand). Cytogenetic location: 7q36.1.
Variant type: single nucleotide variant.
Coding change: c.40C>G on transcript NM_005431.2 (MANE Select); coding-DNA position 40, C replaced by G.
Protein change: p.Leu14Val; replaces leucine 14 with valine.
Molecular consequence: missense variant.
Genome position (GRCh38, 1-based): chr7:152,660,782, G>C on the plus strand (C>G on the coding strand, the complement: XRCC2 is on the minus strand). VCF-style: chr7-152660782-G-C. GRCh37 (hg19) VCF-style: chr7-152357867-G-C.
Other names: short protein forms L14V.
Identifiers: ClinVar variation 937915 (VCV000937915.13), dbSNP rs1029144797, ClinGen allele CA169488184.
Genomic context (GRCh38, chr7:152,660,782, plus strand): 5'-CAGCAAACAGATTTGGTTCTATTTCTTTCAAGGAACTTCTACCTTCAAGTCGGGCAAGGA[G>C]CTTATAAAAGAAGAGAGAAGGAAAACTCATTATTTAAAAATATAAAATCCTAGACATCTA-3'
Protein context (NP_005422.1, residues 4-24): AFHRAESGTE[Leu14Val]LARLEGRSSL

ClinVar aggregate classification (germline): Uncertain significance. Review status: criteria provided, multiple submitters, no conflicts (2 of 4 stars). 2 submissions from 2 submitters: Uncertain significance (2). Last evaluated 2024-06-29.

Conditions:
Hereditary cancer-predisposing syndrome. Also called: Tumor predisposition; Hereditary neoplastic syndrome; Hereditary Cancer Syndrome; Neoplastic Syndromes, Hereditary. Identifiers: Orphanet 140162, MedGen C0027672, MeSH D009386, MONDO:0015356.

Allele frequency attached by ClinVar (database versions not stated): gnomAD 0.00001; TOPMed 0.00001.
gnomAD v4.1: 4 of 1,605,922 alleles (0.00025%); highest among the groups gnomAD compares: African/African-American, 0.004%; no homozygotes.

Submissions (2):

Ambry Genetics
Classification: Uncertain significance for Hereditary cancer-predisposing syndrome. Last evaluated: 2024-06-29. Review status: criteria provided, single submitter. Criteria: Ambry Variant Classification Scheme 2023. Collection method: clinical testing. Allele origin: germline.
Comment: The p.L14V variant (also known as c.40C>G) is located in coding exon 2 of the XRCC2 gene. The leucine at codon 14 is replaced by valine, an amino acid with highly similar properties. This change occurs in the first base pair of coding exon 2. This amino acid position is conserved. In addition, this alteration is predicted to be tolerated by in silico analysis. Since supporting evidence is limited at this time, the clinical significance of this alteration remains unclear.

Labcorp Genetics (formerly Invitae), Labcorp
Classification: Uncertain significance. Last evaluated: 2022-11-16. Review status: criteria provided, single submitter. Criteria: Invitae Variant Classification Sherloc (09022015). Collection method: clinical testing. Allele origin: germline.
Comment: In summary, the available evidence is currently insufficient to determine the role of this variant in disease. Therefore, it has been classified as a Variant of Uncertain Significance. Algorithms developed to predict the effect of missense changes on protein structure and function are either unavailable or do not agree on the potential impact of this missense change (SIFT: "Deleterious"; PolyPhen-2: "Probably Damaging"; Align-GVGD: "Class C0"). ClinVar contains an entry for this variant (Variation ID: 937915). This variant has not been reported in the literature in individuals affected with XRCC2-related conditions. This variant is not present in population databases (gnomAD no frequency). This sequence change replaces leucine, which is neutral and non-polar, with valine, which is neutral and non-polar, at codon 14 of the XRCC2 protein (p.Leu14Val).